The following is an entry in ClinVar:

NM_000070.3(CAPN3):c.387C>G (p.Cys129Trp)

Genes: CAPN3 (calpain 3; plus strand), LOC126862115 (BRD4-independent group 4 enhancer GRCh37_chr15:42677734-42678933; plus strand). Cytogenetic location: 15q15.1.
Variant type: single nucleotide variant.
Coding change: c.387C>G on transcript NM_000070.3 (MANE Select); coding-DNA position 387, C replaced by G.
Protein change: p.Cys129Trp; replaces cysteine 129 with tryptophan.
Molecular consequence: missense variant.
Genome position (GRCh38, 1-based): chr15:42,386,174, C>G. VCF-style: chr15-42386174-C-G. GRCh37 (hg19) VCF-style: chr15-42678372-C-G.
Other names: c.387C>G, p.Cys129Trp (NM_024344.2, NM_173087.2); short protein forms C129W.
Identifiers: ClinVar variation 497861 (VCV000497861.11), dbSNP rs1555420308, ClinGen allele CA391997480.

ClinVar aggregate classification (germline): Uncertain significance. Review status: criteria provided, multiple submitters, no conflicts (2 of 4 stars). 2 submissions from 2 submitters: Uncertain significance (2). Last evaluated 2021-09-02.

Conditions:
Autosomal recessive limb-girdle muscular dystrophy type 2A (LGMDR1). Also called: LEYDEN-MOEBIUS MUSCULAR DYSTROPHY; MUSCULAR DYSTROPHY, PELVOFEMORAL; Limb-girdle muscular dystrophy, type 2A; Calpainopathy; Muscular dystrophy, limb-girdle, type 2A, Amish. Identifiers: Orphanet 267, MedGen C1869123, MONDO:0009675, OMIM 253600. Disease mechanism: loss of function.

Submissions (2):

Labcorp Genetics (formerly Invitae), Labcorp
Classification: Uncertain significance for Autosomal recessive limb-girdle muscular dystrophy type 2A. Last evaluated: 2021-09-02. Review status: criteria provided, single submitter. Criteria: Invitae Variant Classification Sherloc (09022015). Collection method: clinical testing. Allele origin: germline.
Comment: This sequence change replaces cysteine with tryptophan at codon 129 of the CAPN3 protein (p.Cys129Trp). The cysteine residue is highly conserved and there is a large physicochemical difference between cysteine and tryptophan. This variant is not present in population databases (ExAC no frequency). This missense change has been observed in individual(s) with muscular dystrophy (Invitae). In at least one individual the data is consistent with the variant being in trans (on the opposite chromosome) from a pathogenic variant. ClinVar contains an entry for this variant (Variation ID: 497861). Algorithms developed to predict the effect of missense changes on protein structure and function are either unavailable or do not agree on the potential impact of this missense change (SIFT: "Deleterious"; PolyPhen-2: "Probably Damaging"; Align-GVGD: "Class C15"). In summary, the available evidence is currently insufficient to determine the role of this variant in disease. Therefore, it has been classified as a Variant of Uncertain Significance.

Eurofins Ntd Llc (ga)
Classification: Uncertain significance. Last evaluated: 2016-10-12. Review status: criteria provided, single submitter. Criteria: EGL Classification Definitions 2015. Collection method: clinical testing. Allele origin: germline. Observed: 1 variant allele, 1 heterozygote.